The following is an entry in ClinVar:

NM_004655.4(AXIN2):c.1444C>A (p.Pro482Thr)

Gene: AXIN2 (axin 2; minus strand). Cytogenetic location: 17q24.1.
Variant type: single nucleotide variant.
Coding change: c.1444C>A on transcript NM_004655.4 (MANE Select); coding-DNA position 1444, C replaced by A.
Protein change: p.Pro482Thr; replaces proline 482 with threonine.
Molecular consequence: missense variant.
Genome position (GRCh38, 1-based): chr17:65,537,592, G>T on the plus strand (C>A on the coding strand, the complement: AXIN2 is on the minus strand). VCF-style: chr17-65537592-G-T. GRCh37 (hg19) VCF-style: chr17-63533710-G-T.
Other names: c.1444C>A, p.Pro482Thr (NM_001363813.1); short protein forms P482T.
Identifiers: ClinVar variation 3981277 (VCV003981277.2).

ClinVar aggregate classification (germline): Uncertain significance. Review status: criteria provided, multiple submitters, no conflicts (2 of 4 stars). 2 submissions from 2 submitters: Uncertain significance (2). Last evaluated 2025-08-21.

Conditions:
Oligodontia-cancer predisposition syndrome. Also called: TOOTH AGENESIS-COLORECTAL CANCER SYNDROME. Identifiers: Orphanet 300576, MedGen C1837750, MONDO:0012075, OMIM 608615. Disease mechanism: loss of function.
Hereditary cancer-predisposing syndrome. Also called: Tumor predisposition; Hereditary neoplastic syndrome; Neoplastic Syndromes, Hereditary; Hereditary Cancer Syndrome. Identifiers: Orphanet 140162, MedGen C0027672, MeSH D009386, MONDO:0015356.

Submissions (2):

Labcorp Genetics (formerly Invitae), Labcorp
Classification: Uncertain significance for Oligodontia-cancer predisposition syndrome. Last evaluated: 2025-08-21. Review status: criteria provided, single submitter. Criteria: Invitae Variant Classification Sherloc (09022015). Collection method: clinical testing. Allele origin: germline.
Comment: This sequence change replaces proline, which is neutral and non-polar, with threonine, which is neutral and polar, at codon 482 of the AXIN2 protein (p.Pro482Thr). This variant is not present in population databases (gnomAD no frequency). This variant has not been reported in the literature in individuals affected with AXIN2-related conditions. ClinVar contains an entry for this variant (Variation ID: 3981277). An algorithm developed to predict the effect of missense changes on protein structure and function (PolyPhen-2) suggests that this variant is likely to be tolerated. In summary, the available evidence is currently insufficient to determine the role of this variant in disease. Therefore, it has been classified as a Variant of Uncertain Significance.

Ambry Genetics
Classification: Uncertain significance for Hereditary cancer-predisposing syndrome. Last evaluated: 2025-06-07. Review status: criteria provided, single submitter. Criteria: Ambry Variant Classification Scheme 2023. Collection method: clinical testing. Allele origin: germline.
Comment: The p.P482T variant (also known as c.1444C>A), located in coding exon 5 of the AXIN2 gene, results from a C to A substitution at nucleotide position 1444. The proline at codon 482 is replaced by threonine, an amino acid with highly similar properties. This amino acid position is conserved. In addition, this alteration is predicted to be tolerated by in silico analysis. Based on the available evidence, the clinical significance of this variant remains unclear.